The following is an entry in ClinVar:

ClinVar aggregate classification (germline): Conflicting classifications of pathogenicity. Review status: criteria provided, conflicting classifications (1 of 4 stars). 5 submissions from 5 submitters: Uncertain significance (1); Likely benign (4). Last evaluated 2025-11-27.

Conditions:
Acrocallosal syndrome (ACLS). Also called: HALLUX DUPLICATION, POSTAXIAL POLYDACTYLY, AND ABSENCE OF CORPUS CALLOSUM; Schinzel syndrome 1; Absence of corpus callosum with unusual facial appearance, mental deficiency, duplication of the halluces and polydactyly. Identifiers: Orphanet 36, MedGen C0796147, MONDO:0008708, OMIM 200990.

Allele frequency attached by ClinVar (database versions not stated): gnomAD 0.00020 and 0.00024; TOPMed 0.00022; ESP Exome Variant Server 0.00023; gnomAD exomes 0.00044; ExAC 0.00055.
gnomAD v4.1: 353 of 1,578,824 alleles (0.022%); highest among the groups gnomAD compares: Middle Eastern, 0.45%; no homozygotes.

Submissions (5):

Labcorp Genetics (formerly Invitae), Labcorp
Classification: Likely benign for Acrocallosal syndrome. Last evaluated: 2025-11-27. Review status: criteria provided, single submitter. Criteria: Invitae Variant Classification Sherloc (09022015). Collection method: clinical testing. Allele origin: germline.

CeGaT Center for Human Genetics Tuebingen
Classification: Likely benign. Last evaluated: 2025-09-01. Review status: criteria provided, single submitter. Criteria: CeGaT Center For Human Genetics Tuebingen Variant Classification Criteria Version 2. Collection method: clinical testing. Allele origin: germline. Affected: yes. Observed: 5 variant alleles.
Comment: KIF7: BP4, BP7

Blueprint Genetics
Classification: Likely benign. Last evaluated: 2024-11-25. Review status: criteria provided, single submitter. Criteria: ACMG Guidelines, 2015. Collection method: clinical testing. Allele origin: germline.

GeneDx
Classification: Likely benign. Last evaluated: 2021-01-31. Review status: criteria provided, single submitter. Criteria: GeneDx Variant Classification Process June 2021. Collection method: clinical testing. Allele origin: germline. Affected: yes.

Illumina Laboratory Services, Illumina
Classification: Uncertain significance for Acrocallosal syndrome. Last evaluated: 2018-01-13. Review status: criteria provided, single submitter. Criteria: ICSL Variant Classification Criteria 13 December 2019. Collection method: clinical testing. Allele origin: germline.

NM_198525.3(KIF7):c.2613G>A (p.Glu871=)

Gene: KIF7 (kinesin family member 7; minus strand). Cytogenetic location: 15q26.1.
Variant type: single nucleotide variant.
Coding change: c.2613G>A on transcript NM_198525.3 (MANE Select); coding-DNA position 2613, G replaced by A.
Protein change: p.Glu871=; no amino-acid change (glutamic acid 871 retained).
Molecular consequence: synonymous variant.
Genome position (GRCh38, 1-based): chr15:89,633,246, C>T on the plus strand (G>A on the coding strand, the complement: KIF7 is on the minus strand). VCF-style: chr15-89633246-C-T. GRCh37 (hg19) VCF-style: chr15-90176477-C-T.
Identifiers: ClinVar variation 317354 (VCV000317354.42), dbSNP rs370595622, ClinGen allele CA7728063.